The following is an entry in ClinVar:

NM_001105206.3(LAMA4):c.3697-75_3703dup

Gene: LAMA4 (laminin subunit alpha 4; minus strand). Cytogenetic location: 6q21.
Variant type: Duplication.
Coding change: c.3697-75_3703dup on transcript NM_001105206.3 (MANE Select); 75 bases into the intron before coding-DNA position 3697 through coding-DNA position 3703, 82 bases duplicated.
Molecular consequence: splice acceptor variant.
Genome position (GRCh38, 1-based): chr6:112,132,884-112,132,965, 82 bases duplicated. GRCh37 (hg19): chr6:112,454,088-112,454,169.
Other names: c.3676-75_3682dup (NM_002290.5, NM_001105207.3).
Identifiers: ClinVar variation 1733831 (VCV001733831.2), dbSNP rs2547003446, ClinGen allele CA2580074813.

ClinVar aggregate classification (germline): Uncertain significance (1 of 4 stars; one submission).

Conditions:
Cardiovascular phenotype. Identifiers: MedGen CN230736.

Submission:

Ambry Genetics
Classification: Uncertain significance for Cardiovascular phenotype. Last evaluated: 2022-03-15. Review status: criteria provided, single submitter. Criteria: Ambry Variant Classification Scheme 2023. Collection method: clinical testing. Allele origin: germline.
Comment: The c.3676-75_3682dup82 variant, located in coding exon 27 of the LAMA4 gene, results from a duplication of 82 nucleotides at position 3676-75, causing a translational frameshift with a predicted alternate stop codon (p.R1228Pfs*6). This alteration is expected to result in premature protein truncation or nonsense-mediated mRNA decay. However, loss of function of LAMA4 has not been clearly established as a mechanism of disease, and the evidence for this gene-disease relationship is limited; therefore, the clinical significance of this alteration is unclear.